The following is an entry in ClinVar:

ClinVar aggregate classification (germline): Uncertain significance (1 of 4 stars; one submission).

gnomAD v4.1: 2 of 1,613,940 alleles (0.00012%); highest among the groups gnomAD compares: Admixed American, 0.0017%; no homozygotes.

Submission:

Ambry Genetics
Classification: Uncertain significance. Last evaluated: 2025-03-29. Review status: criteria provided, single submitter. Criteria: Ambry Variant Classification Scheme 2023. Collection method: clinical testing. Allele origin: germline.
Comment: The p.L19F variant (also known as c.57G>T), located in coding exon 1 of the GEN1 gene, results from a G to T substitution at nucleotide position 57. The leucine at codon 19 is replaced by phenylalanine, an amino acid with highly similar properties. This amino acid position is conserved. In addition, the in silico prediction for this alteration is inconclusive. Based on the available evidence, the clinical significance of this variant remains unclear.

NM_001130009.3(GEN1):c.57G>T (p.Leu19Phe)

Gene: GEN1 (GEN1 Holliday junction 5' flap endonuclease; plus strand). Cytogenetic location: 2p24.2.
Variant type: single nucleotide variant.
Coding change: c.57G>T on transcript NM_001130009.3 (MANE Select); coding-DNA position 57, G replaced by T.
Protein change: p.Leu19Phe; replaces leucine 19 with phenylalanine.
Molecular consequence: missense variant.
Genome position (GRCh38, 1-based): chr2:17,760,000, G>T. VCF-style: chr2-17760000-G-T. GRCh37 (hg19) VCF-style: chr2-17941267-G-T.
Other names: c.57G>T, p.Leu19Phe (NM_182625.5); short protein forms L19F.
Identifiers: ClinVar variation 4029181 (VCV004029181.1).